The following is an entry in ClinVar:

NM_001388492.1(HTT):c.1909A>T (p.Arg637Trp)

Gene: HTT (huntingtin; plus strand). Cytogenetic location: 4p16.3.
Variant type: single nucleotide variant.
Coding change: c.1909A>T on transcript NM_001388492.1 (MANE Select); coding-DNA position 1909, A replaced by T.
Protein change: p.Arg637Trp; replaces arginine 637 with tryptophan.
Molecular consequence: missense variant.
Genome position (GRCh38, 1-based): chr4:3,130,346, A>T. VCF-style: chr4-3130346-A-T. GRCh37 (hg19) VCF-style: chr4-3132073-A-T.
Other names: c.1915A>T, p.Arg639Trp (NM_002111.8); short protein forms R637W, R639W.
Identifiers: ClinVar variation 1477315 (VCV001477315.6), dbSNP rs2110187520, ClinGen allele CA356080038.

ClinVar aggregate classification (germline): Uncertain significance (1 of 4 stars; one submission).

Submission:

Labcorp Genetics (formerly Invitae), Labcorp
Classification: Uncertain significance. Last evaluated: 2021-03-15. Review status: criteria provided, single submitter. Criteria: Invitae Variant Classification Sherloc (09022015). Collection method: clinical testing. Allele origin: germline.
Comment: This variant is not present in population databases (ExAC no frequency). This sequence change replaces arginine with tryptophan at codon 639 of the HTT protein (p.Arg639Trp). The arginine residue is highly conserved and there is a moderate physicochemical difference between arginine and tryptophan. This variant has not been reported in the literature in individuals with HTT-related conditions. In summary, the available evidence is currently insufficient to determine the role of this variant in disease. Therefore, it has been classified as a Variant of Uncertain Significance. Experimental studies and prediction algorithms are not available or were not evaluated, and the functional significance of this variant is currently unknown.